The following is an entry in ClinVar:

NM_004360.5(CDH1):c.2270A>G (p.Glu757Gly)

Gene: CDH1 (cadherin 1; plus strand). Cytogenetic location: 16q22.1.
Variant type: single nucleotide variant.
Coding change: c.2270A>G on transcript NM_004360.5 (MANE Select); coding-DNA position 2270, A replaced by G.
Protein change: p.Glu757Gly; replaces glutamic acid 757 with glycine.
Molecular consequence: missense variant.
Genome position (GRCh38, 1-based): chr16:68,828,279, A>G. VCF-style: chr16-68828279-A-G. GRCh37 (hg19) VCF-style: chr16-68862182-A-G.
Other names: c.2087A>G, p.Glu696Gly (NM_001317184.2); c.722A>G, p.Glu241Gly (NM_001317185.2); c.305A>G, p.Glu102Gly (NM_001317186.2); short protein forms E102G, E241G, E757G, E696G.
Identifiers: ClinVar variation 2567601 (VCV002567601.2), dbSNP rs2152141555, ClinGen allele CA396470005.

ClinVar aggregate classification (germline): Uncertain significance (1 of 4 stars; one submission).

Conditions:
Hereditary cancer-predisposing syndrome. Also called: Hereditary neoplastic syndrome; Hereditary Cancer Syndrome; Neoplastic Syndromes, Hereditary; Tumor predisposition. Identifiers: Orphanet 140162, MedGen C0027672, MeSH D009386, MONDO:0015356.

Submission:

Ambry Genetics
Classification: Uncertain significance for Hereditary cancer-predisposing syndrome. Last evaluated: 2023-04-06. Review status: criteria provided, single submitter. Criteria: Ambry Variant Classification Scheme 2023. Collection method: clinical testing. Allele origin: germline.
Comment: The p.E757G variant (also known as c.2270A>G), located in coding exon 14 of the CDH1 gene, results from an A to G substitution at nucleotide position 2270. The glutamic acid at codon 757 is replaced by glycine, an amino acid with similar properties. This amino acid position is highly conserved in available vertebrate species. In addition, this alteration is predicted to be deleterious by in silico analysis. Since supporting evidence is limited at this time, the clinical significance of this alteration remains unclear.